The following is an entry in ClinVar:

NM_004795.4(KL):c.1694C>A (p.Thr565Asn)

Gene: KL (klotho; plus strand). Cytogenetic location: 13q13.1.
Variant type: single nucleotide variant.
Coding change: c.1694C>A on transcript NM_004795.4 (MANE Select); coding-DNA position 1694, C replaced by A.
Protein change: p.Thr565Asn; replaces threonine 565 with asparagine.
Molecular consequence: missense variant.
Genome position (GRCh38, 1-based): chr13:33,060,773, C>A. VCF-style: chr13-33060773-C-A. GRCh37 (hg19) VCF-style: chr13-33634910-C-A.
Other names: short protein forms T565N.
Identifiers: ClinVar variation 4781651 (VCV004781651.1).
Genomic context (GRCh38, chr13:33,060,773, plus strand): 5'-ATGTTTACCTGTGGGATGTCCACCACAGTAAAAGGCTTATTAAAGTGGATGGGGTTGTGA[C>A]CAAGAAGAGGAAATCCTACTGTGTTGACTTTGCTGCCATCCAGCCCCAGATCGCTTTACT-3'
Protein context (NP_004786.2, residues 555-575): KRLIKVDGVV[Thr565Asn]KKRKSYCVDF

ClinVar aggregate classification (germline): Uncertain significance (1 of 4 stars; one submission).

Submission:

Labcorp Genetics (formerly Invitae), Labcorp
Classification: Uncertain significance. Last evaluated: 2025-09-16. Review status: criteria provided, single submitter. Criteria: Invitae Variant Classification Sherloc (09022015). Collection method: clinical testing. Allele origin: germline.
Comment: This sequence change replaces threonine, which is neutral and polar, with asparagine, which is neutral and polar, at codon 565 of the KL protein (p.Thr565Asn). This variant is not present in population databases (gnomAD no frequency). This variant has not been reported in the literature in individuals affected with KL-related conditions. Invitae Evidence Modeling of protein sequence and biophysical properties (such as structural, functional, and spatial information, amino acid conservation, physicochemical variation, residue mobility, and thermodynamic stability) indicates that this missense variant is not expected to disrupt KL protein function with a negative predictive value of 80%. In summary, the available evidence is currently insufficient to determine the role of this variant in disease. Therefore, it has been classified as a Variant of Uncertain Significance.